The following is an entry in ClinVar:

NM_001360.3(DHCR7):c.1245_1273del (p.Ser415fs)

Gene: DHCR7 (7-dehydrocholesterol reductase; minus strand). Cytogenetic location: 11q13.4.
Variant type: Deletion.
Coding change: c.1245_1273del on transcript NM_001360.3 (MANE Select); coding-DNA positions 1245 to 1273, 29 bases deleted (CCTGGCCTACTGCCTGGCCTGTGGCGGCG).
Protein change: p.Ser415fs; shifts the reading frame from serine 415.
Molecular consequence: frameshift variant. On other transcripts: 3 prime UTR variant (3), intron variant (3).
Genome position (GRCh38, 1-based): chr11:71,435,530-71,435,558, CGCCGCCACAGGCCAGGCAGTAGGCCAGG deleted on the plus strand (CCTGGCCTACTGCCTGGCCTGTGGCGGCG on the coding strand, the reverse complement: DHCR7 is on the minus strand); deleting any 29 consecutive bases within chr11:71,435,530-71,435,559 gives the same sequence; the c. name uses the placement nearest the transcript's 3' end. VCF-style (leftmost placement, unchanged base first): chr11-71435529-CCGCCGCCACAGGCCAGGCAGTAGGCCAGG-C. GRCh37 (hg19) VCF-style: chr11-71146575-CCGCCGCCACAGGCCAGGCAGTAGGCCAGG-C.
Other names: c.1245_1273del, p.Ser415fs (NM_001163817.2, NM_001425109.1, NM_001425110.1 and 1 more transcripts); c.1244_1272del29, p.Ser415Argfs (NM_001360.2); c.1296_1324del, p.Ser432fs (NM_001425107.1); c.1281_1309del, p.Ser427fs (NM_001425108.1); c.*8_*36del (NM_001425112.1, NM_001425116.1); c.1185_1213del, p.Ser395fs (NM_001425113.1); c.1149_1177del, p.Ser383fs (NM_001425114.1); c.1071_1099del, p.Ser357fs (NM_001425117.1); and 4 more; short protein forms S357fs, S383fs, S395fs, S415fs, S427fs, S432fs.
Identifiers: ClinVar variation 4814810 (VCV004814810.1).

ClinVar aggregate classification (germline): Likely pathogenic (1 of 4 stars; one submission).

Conditions:
Smith-Lemli-Opitz syndrome (SLOS). Also called: LETHAL ACRODYSGENITAL SYNDROME; POLYDACTYLY, SEX REVERSAL, RENAL HYPOPLASIA, AND UNILOBAR LUNG; RSH SYNDROME; RUTLEDGE LETHAL MULTIPLE CONGENITAL ANOMALY SYNDROME; 7-Dehydrocholesterol reductase deficiency. Identifiers: Orphanet 818, MedGen C0175694, MONDO:0010035, OMIM 270400.

Submission:

Natera, Inc.
Classification: Likely pathogenic for Smith-Lemli-Opitz syndrome. Last evaluated: 2024-11-25. Review status: criteria provided, single submitter. Criteria: Natera Variant Classification Schema (03/2026). Collection method: clinical testing. Allele origin: germline.
Comment: The c.1245_1273del variant in DHCR7 is a frameshift variant predicted to elongate the protein beyond the termination codon. This variant is expected to result in nonsense mediated decay, truncation, or a dysfunctional protein product. This variant is rare in the general population with a frequency below the threshold expected for the associated phenotype(s). Given the available evidence, this variant is classified as Likely Pathogenic.